The following is an entry in ClinVar:

ClinVar aggregate classification (germline): Benign/Likely benign. Review status: criteria provided, multiple submitters, no conflicts (2 of 4 stars). 13 submissions from 13 submitters: Benign (2); Likely benign (8). 3 of the submissions do not count toward it. Last evaluated 2025-11-13.

Conditions:
Familial thoracic aortic aneurysm and aortic dissection (TAAD). Also called: Thoracic aortic aneurysms and dissections. Identifiers: Orphanet 91387, MedGen C4707243, MONDO:0019625.
Hereditary cancer-predisposing syndrome. Also called: Neoplastic Syndromes, Hereditary; Tumor predisposition; Hereditary Cancer Syndrome; Hereditary neoplastic syndrome. Identifiers: Orphanet 140162, MedGen C0027672, MeSH D009386, MONDO:0015356.
Juvenile polyposis syndrome (JPS). Identifiers: Orphanet 2929, MedGen C0345893, MONDO:0017380, OMIM 174900.
SMAD4-related disorder. Also called: SMAD4-Related disorders; SMAD4-related condition.
Juvenile polyposis/hereditary hemorrhagic telangiectasia syndrome (JPHT). Also called: POLYPOSIS, GENERALIZED JUVENILE, WITH PULMONARY ARTERIOVENOUS MALFORMATION; TELANGIECTASIA, HEREDITARY HEMORRHAGIC, WITH JUVENILE POLYPOSIS COLI; Juvenile Polyposis Syndrome / Hereditary Hemorrhagic Telangiectasia (JPS/HHT); JP/HHT SYNDROME; JUVENILE POLYPOSIS WITH HEREDITARY HEMORRHAGIC TELANGIECTASIA. Identifiers: Orphanet 2929, MedGen C1832942, MONDO:0008278, OMIM 175050.

Allele frequency attached by ClinVar (database versions not stated): gnomAD 0.00001 and 0.00002; ExAC 0.00002; TOPMed 0.00003; gnomAD exomes 0.00004 and 0.00005.
gnomAD v4.1: 72 of 1,613,934 alleles (0.0045%); highest among the groups gnomAD compares: Non-Finnish European, 0.0056%; no homozygotes.

Submissions (13):

Labcorp Genetics (formerly Invitae), Labcorp
Classification: Likely benign for Juvenile polyposis syndrome. Last evaluated: 2025-11-13. Review status: criteria provided, single submitter. Criteria: Invitae Variant Classification Sherloc (09022015). Collection method: clinical testing. Allele origin: germline.

Quest Diagnostics Nichols Institute San Juan Capistrano
Classification: Likely benign. Last evaluated: 2024-12-02. Review status: criteria provided, single submitter. Criteria: Quest Diagnostics criteria. Collection method: clinical testing. Allele origin: unknown.

All of Us Research Program, National Institutes of Health
Classification: Likely benign for Juvenile polyposis/hereditary hemorrhagic telangiectasia syndrome. Last evaluated: 2024-03-24. Review status: criteria provided, single submitter. Criteria: ACMG Guidelines, 2015. Collection method: clinical testing. Allele origin: germline. Inheritance: Autosomal dominant inheritance. Observed: 3 variant alleles, 3 heterozygotes.
Comment: This study involves interpretation of variants in research participants for the purpose of population health screening. Participant phenotype was not available at the time of variant classification. Additional details can be found in publication PMID: 35346344, PMCID: PMC8962531

Myriad Genetics, Inc.
Classification: Benign for Juvenile polyposis/hereditary hemorrhagic telangiectasia syndrome. Last evaluated: 2023-04-10. Review status: criteria provided, single submitter. Criteria: Myriad Autosomal Dominant, Autosomal Recessive and X-Linked Classification Criteria (2023). Collection method: clinical testing. Allele origin: unknown.
Comment: This variant is considered benign. This variant is a silent/synonymous amino acid change and it is not expected to impact splicing.

Blueprint Genetics
Classification: Likely benign. Last evaluated: 2020-04-15. Review status: criteria provided, single submitter. Criteria: ACMG Guidelines, 2015. Collection method: clinical testing. Allele origin: germline.

Women's Health and Genetics/Laboratory Corporation of America, LabCorp
Classification: Benign. Last evaluated: 2018-04-30. Review status: criteria provided, single submitter. Criteria: LabCorp Variant Classification Summary - May 2015. Collection method: clinical testing. Allele origin: germline.
Comment: Variant summary: SMAD4 c.693C>T alters a non-conserved nucleotide resulting in a synonymous change. 5/5 computational tools predict no significant impact on normal splicing. However, these predictions have yet to be confirmed by functional studies. The variant allele was found at a frequency of 3.6e-05 in 276484 control chromosomes. The observed variant frequency is approximately 18.084 fold of the estimated maximal expected allele frequency for a pathogenic variant in SMAD4 causing Juvenile Polyposis Syndrome phenotype (2e-06), strongly suggesting that the variant is benign. To our knowledge, no occurrence of c.693C>T in individuals affected with Juvenile Polyposis Syndrome and no experimental evidence demonstrating its impact on protein function have been reported. Five clinical diagnostic laboratories have submitted clinical-significance assessments for this variant to ClinVar after 2014 without evidence for independent evaluation. All laboratories classified the variant as likely benign. Based on the evidence outlined above, the variant was classified as benign.

ARUP Laboratories, Molecular Genetics and Genomics, ARUP Laboratories
Classification: Likely benign. Last evaluated: 2017-11-13. Review status: criteria provided, single submitter. Criteria: ARUP Molecular Germline Variant Investigation Process. Collection method: clinical testing. Allele origin: germline.
Comment: The c.693C>T variant (rs765597059) does not alter the SMAD4 protein sequence and computational splice site prediction algorithms do not predict a change in the nearest splice site or creation of a cryptic splice site (Alamut software v2.7.1). This variant has not been reported in patients with aortopathy in medical literature or in gene specific variation databases and has been listed in ClinVar as likely benign (see link below). The c.693C>T variant is listed in the Exome Aggregation Consortium (ExAC) Browser with an overall population frequency of 0.002 percent (2 out of 120524 chromosomes). Thus, the c.693C>T variant is likely to be benign.

GeneDx
Classification: Likely benign. Last evaluated: 2017-10-09. Review status: criteria provided, single submitter. Criteria: GeneDx Variant Classification (06012015). Collection method: clinical testing. Allele origin: germline. Affected: yes.
Comment: This variant is considered likely benign or benign based on one or more of the following criteria: it is a conservative change, it occurs at a poorly conserved position in the protein, it is predicted to be benign by multiple in silico algorithms, and/or has population frequency not consistent with disease.

Color Diagnostics, LLC DBA Color Health
Classification: Likely benign for Hereditary cancer-predisposing syndrome. Last evaluated: 2017-06-08. Review status: criteria provided, single submitter. Criteria: ACMG Guidelines, 2015. Collection method: clinical testing. Allele origin: germline.

Ambry Genetics
Classification: Likely benign for Hereditary cancer-predisposing syndrome; Familial thoracic aortic aneurysm and aortic dissection. Last evaluated: 2016-04-01. Review status: criteria provided, single submitter. Criteria: Ambry Variant Classification Scheme 2023. Collection method: clinical testing. Allele origin: germline.

PreventionGenetics, part of Exact Sciences
Classification: Likely benign for SMAD4-related condition. Last evaluated: 2020-02-25. Review status: no assertion criteria provided. Collection method: clinical testing. Allele origin: germline. Not counted in ClinVar's aggregate classification.
Comment: This variant is classified as likely benign based on ACMG/AMP sequence variant interpretation guidelines (Richards et al. 2015 PMID: 25741868, with internal and published modifications).

Counsyl
Classification: Likely benign for Juvenile polyposis syndrome. Last evaluated: 2016-08-31. Review status: no assertion criteria provided. Collection method: clinical testing. Allele origin: unknown. Not counted in ClinVar's aggregate classification.

Mayo Clinic Laboratories, Mayo Clinic
Classification: Likely benign. Review status: no assertion criteria provided. Collection method: clinical testing. Allele origin: unknown. Not counted in ClinVar's aggregate classification.

NM_005359.6(SMAD4):c.693C>T (p.Gly231=)

Gene: SMAD4 (SMAD family member 4; plus strand). Cytogenetic location: 18q21.2.
Variant type: single nucleotide variant.
Coding change: c.693C>T on transcript NM_005359.6 (MANE Select); coding-DNA position 693, C replaced by T.
Protein change: p.Gly231=; no amino-acid change (glycine 231 retained).
Molecular consequence: synonymous variant.
Genome position (GRCh38, 1-based): chr18:51,058,150, C>T. VCF-style: chr18-51058150-C-T. GRCh37 (hg19) VCF-style: chr18-48584520-C-T.
Identifiers: ClinVar variation 215844 (VCV000215844.40), dbSNP rs765597059, ClinGen allele CA338329.